The following is an entry in ClinVar:

NM_000455.5(STK11):c.1246A>G (p.Lys416Glu)

Gene: STK11 (serine/threonine kinase 11; plus strand). Cytogenetic location: 19p13.3.
Variant type: single nucleotide variant.
Coding change: c.1246A>G on transcript NM_000455.5 (MANE Select); coding-DNA position 1246, A replaced by G.
Protein change: p.Lys416Glu; replaces lysine 416 with glutamic acid.
Molecular consequence: missense variant.
Genome position (GRCh38, 1-based): chr19:1,226,591, A>G. VCF-style: chr19-1226591-A-G. GRCh37 (hg19) VCF-style: chr19-1226590-A-G.
Other names: short protein forms K416E.
Identifiers: ClinVar variation 1352986 (VCV001352986.8), dbSNP rs2145436409, ClinGen allele CA402953989.
Genomic context (GRCh38, chr19:1,226,591, plus strand): 5'-GAGGCGGCGCAGCTGAGCACCAAATCCAGGGCGGAGGGCCGGGCCCCCAACCCTGCCCGC[A>G]AGGCCTGCTCCGCCAGCAGCAAGATCCGCCGGCTGTCGGCCTGCAAGCAGCAGTGAGGCT-3'
Protein context (NP_000446.1, residues 406-426): AEGRAPNPAR[Lys416Glu]ACSASSKIRR

ClinVar aggregate classification (germline): Uncertain significance (1 of 4 stars; one submission).

Conditions:
Peutz-Jeghers syndrome (PJS). Also called: POLYPOSIS, HAMARTOMATOUS INTESTINAL; POLYPS-AND-SPOTS SYNDROME; Peutz-Jeghers polyposis; Periorificial lentiginosis syndrome. Identifiers: Orphanet 2869, MedGen C0031269, MeSH D010580, MONDO:0008280, OMIM 175200.

Submission:

Labcorp Genetics (formerly Invitae), Labcorp
Classification: Uncertain significance for Peutz-Jeghers syndrome. Last evaluated: 2024-04-05. Review status: criteria provided, single submitter. Criteria: Invitae Variant Classification Sherloc (09022015). Collection method: clinical testing. Allele origin: germline.
Comment: This sequence change replaces lysine, which is basic and polar, with glutamic acid, which is acidic and polar, at codon 416 of the STK11 protein (p.Lys416Glu). This variant is not present in population databases (gnomAD no frequency). This variant has not been reported in the literature in individuals affected with STK11-related conditions. ClinVar contains an entry for this variant (Variation ID: 1352986). Advanced modeling of protein sequence and biophysical properties (such as structural, functional, and spatial information, amino acid conservation, physicochemical variation, residue mobility, and thermodynamic stability) performed at Invitae indicates that this missense variant is not expected to disrupt STK11 protein function with a negative predictive value of 95%. In summary, the available evidence is currently insufficient to determine the role of this variant in disease. Therefore, it has been classified as a Variant of Uncertain Significance.